The following is an entry in ClinVar:

ClinVar aggregate classification (germline): Uncertain significance. Review status: criteria provided, multiple submitters, no conflicts (2 of 4 stars). 2 submissions from 2 submitters: Uncertain significance (2). Last evaluated 2025-02-02.

Conditions:
Multiple endocrine neoplasia, type 1 (MEN1). Also called: MEN I; WERMER SYNDROME; Endocrine adenomatosis multiple; MEN 1; MEA I. Identifiers: Orphanet 652, MedGen C0025267, MeSH D018761, MONDO:0007540, OMIM 131100.
Hereditary cancer-predisposing syndrome. Also called: Hereditary neoplastic syndrome; Neoplastic Syndromes, Hereditary; Hereditary Cancer Syndrome; Tumor predisposition. Identifiers: Orphanet 140162, MedGen C0027672, MeSH D009386, MONDO:0015356.

Submissions (2):

Labcorp Genetics (formerly Invitae), Labcorp
Classification: Uncertain significance for Multiple endocrine neoplasia, type 1. Last evaluated: 2025-02-02. Review status: criteria provided, single submitter. Criteria: Invitae Variant Classification Sherloc (09022015). Collection method: clinical testing. Allele origin: germline.
Comment: This sequence change replaces proline, which is neutral and non-polar, with serine, which is neutral and polar, at codon 428 of the MEN1 protein (p.Pro428Ser). This variant is not present in population databases (gnomAD no frequency). This variant has not been reported in the literature in individuals affected with MEN1-related conditions. ClinVar contains an entry for this variant (Variation ID: 2716242). Invitae Evidence Modeling of protein sequence and biophysical properties (such as structural, functional, and spatial information, amino acid conservation, physicochemical variation, residue mobility, and thermodynamic stability) indicates that this missense variant is not expected to disrupt MEN1 protein function with a negative predictive value of 95%. In summary, the available evidence is currently insufficient to determine the role of this variant in disease. Therefore, it has been classified as a Variant of Uncertain Significance.

Ambry Genetics
Classification: Uncertain significance for Hereditary cancer-predisposing syndrome. Last evaluated: 2024-05-26. Review status: criteria provided, single submitter. Criteria: Ambry Variant Classification Scheme 2023. Collection method: clinical testing. Allele origin: germline.
Comment: The p.P428S variant (also known as c.1282C>T), located in coding exon 8 of the MEN1 gene, results from a C to T substitution at nucleotide position 1282. The proline at codon 428 is replaced by serine, an amino acid with similar properties. This amino acid position is conserved. In addition, the in silico prediction for this alteration is inconclusive. Based on the available evidence, the clinical significance of this variant remains unclear.

NM_001370259.2(MEN1):c.1282C>T (p.Pro428Ser)

Gene: MEN1 (menin 1; minus strand). Cytogenetic location: 11q13.1.
Variant type: single nucleotide variant.
Coding change: c.1282C>T on transcript NM_001370259.2 (MANE Select); coding-DNA position 1282, C replaced by T.
Protein change: p.Pro428Ser; replaces proline 428 with serine.
Molecular consequence: missense variant. On other transcripts: non-coding transcript variant (4), intron variant (1).
Genome position (GRCh38, 1-based): chr11:64,805,102, G>A on the plus strand (C>T on the coding strand, the complement: MEN1 is on the minus strand). VCF-style: chr11-64805102-G-A. GRCh37 (hg19) VCF-style: chr11-64572574-G-A.
Other names: c.1297C>T, p.Pro433Ser (NM_001407145.1, NM_130800.3, NM_000244.4 and 4 more transcripts); c.1282C>T, p.Pro428Ser (NM_001407146.1, NM_001407147.1, NM_130799.3 and 2 more transcripts); c.1177C>T, p.Pro393Ser (NM_001407148.1, NM_001407149.1, NM_001370262.2 and 1 more transcripts); c.1423C>T, p.Pro475Ser (NM_001407150.1); c.1303C>T, p.Pro435Ser (NM_001407151.1); c.1408C>T, p.Pro470Ser (NM_001370251.2, NM_001407142.1, NM_001407143.1 and 1 more transcripts); c.1186-286C>T (NM_001407152.1); short protein forms P475S, P435S, P470S, P393S, P428S, P433S.
Identifiers: ClinVar variation 2716242 (VCV002716242.4), dbSNP rs2497143442, ClinGen allele CA381180325.